The following is an entry in ClinVar:

ClinVar aggregate classification (germline): Uncertain significance (1 of 4 stars; one submission).

Conditions:
Townes-Brocks syndrome 1 (TBS1). Also called: SALL1-Related Townes-Brocks Syndrome; DEAFNESS, SENSORINEURAL, WITH IMPERFORATE ANUS AND THUMB ANOMALIES; REAR SYNDROME; RENAL-EAR-ANAL-RADIAL SYNDROME. Identifiers: Orphanet 857, MedGen C4551481, MONDO:0054581, OMIM 107480.

Submission:

Johns Hopkins Genomics, Johns Hopkins University
Classification: Uncertain significance for Townes-Brocks syndrome 1. Last evaluated: 2020-03-31. Review status: criteria provided, single submitter. Criteria: ACMG Guidelines, 2015. Collection method: clinical testing. Allele origin: germline.
Comment: This SALL1 variant is absent from a large population dataset and has not been reported in the literature, to our knowledge. Of three bioinformatics tools queried, two predicts that the substitution would be damaging while one predicts that it would be neutral. The glutamic acid residue at this position is evolutionarily conserved across higher order species, but not in fish and is not predicted to impact canonical exon 3 splicing. Due to lack of segregation and functional data, we consider the clinical significance of c.3847G>A to be uncertain at this time.

NM_002968.3(SALL1):c.3847G>A (p.Glu1283Lys)

Gene: SALL1 (spalt like transcription factor 1; minus strand). Cytogenetic location: 16q12.1.
Variant type: single nucleotide variant.
Coding change: c.3847G>A on transcript NM_002968.3 (MANE Select); coding-DNA position 3847, G replaced by A.
Protein change: p.Glu1283Lys; replaces glutamic acid 1283 with lysine.
Molecular consequence: missense variant.
Genome position (GRCh38, 1-based): chr16:51,137,240, C>T on the plus strand (G>A on the coding strand, the complement: SALL1 is on the minus strand). VCF-style: chr16-51137240-C-T. GRCh37 (hg19) VCF-style: chr16-51171151-C-T.
Other names: c.3556G>A, p.Glu1186Lys (NM_001127892.2); short protein forms E1186K, E1283K.
Identifiers: ClinVar variation 973876 (VCV000973876.1), dbSNP rs1962320101, ClinGen allele CA395877839.